The following is an entry in ClinVar:

NM_000388.4(CASR):c.1069A>T (p.Asn357Tyr)

Gene: CASR (calcium sensing receptor; plus strand). Cytogenetic location: 3q21.1.
Variant type: single nucleotide variant.
Coding change: c.1069A>T on transcript NM_000388.4 (MANE Select); coding-DNA position 1069, A replaced by T.
Protein change: p.Asn357Tyr; replaces asparagine 357 with tyrosine.
Molecular consequence: missense variant.
Genome position (GRCh38, 1-based): chr3:122,262,104, A>T. VCF-style: chr3-122262104-A-T. GRCh37 (hg19) VCF-style: chr3-121980951-A-T.
Other names: c.1069A>T, p.Asn357Tyr (NM_001178065.2); short protein forms N357Y.
Identifiers: ClinVar variation 64426 (VCV000064426.2), dbSNP rs387907392, ClinGen allele CA216116.
Genomic context (GRCh38, chr3:122,262,104, plus strand): 5'-GTCCATCCCAGGAAGTCTGTCCACAATGGTTTTGCCAAGGAGTTTTGGGAAGAAACATTT[A>T]ACTGCCACCTCCAAGAAGGTGCAAAAGGACCTTTACCTGTGGACACCTTTCTGAGAGGTC-3'
Protein context (NP_000379.3, residues 347-367): FAKEFWEETF[Asn357Tyr]CHLQEGAKGP

ClinVar aggregate classification (germline): Uncertain significance (0 of 4 stars; one submission).

Allele frequency attached by ClinVar (database versions not stated): gnomAD exomes below 0.00001.
gnomAD v4.1: 1 of 1,614,152 alleles (0.000062%); highest among the groups gnomAD compares: South Asian, 0.0011%; no homozygotes.

Submission:

Martin Pollak Laboratory,  Beth Israel Deaconess Medical Center
Classification: Uncertain significance. Review status: no assertion criteria provided. Collection method: not provided. Allele origin: unknown.
Comment: Lower and higher UCa2+ groups
ClinVar note: Converted during submission from unknown to Uncertain significance.